The following is an entry in ClinVar:

ClinVar aggregate classification (germline): Uncertain significance. Review status: criteria provided, multiple submitters, no conflicts (2 of 4 stars). 2 submissions from 2 submitters: Uncertain significance (2). Last evaluated 2025-07-03.

Conditions:
Hereditary cancer-predisposing syndrome. Also called: Hereditary Cancer Syndrome; Neoplastic Syndromes, Hereditary; Tumor predisposition; Hereditary neoplastic syndrome. Identifiers: Orphanet 140162, MedGen C0027672, MeSH D009386, MONDO:0015356.
Oligodontia-cancer predisposition syndrome. Also called: TOOTH AGENESIS-COLORECTAL CANCER SYNDROME. Identifiers: Orphanet 300576, MedGen C1837750, MONDO:0012075, OMIM 608615. Disease mechanism: loss of function.

Submissions (2):

Ambry Genetics
Classification: Uncertain significance for Hereditary cancer-predisposing syndrome. Last evaluated: 2025-07-03. Review status: criteria provided, single submitter. Criteria: Ambry Variant Classification Scheme 2023. Collection method: clinical testing. Allele origin: germline.
Comment: The p.P710T variant (also known as c.2128C>A), located in coding exon 7 of the AXIN2 gene, results from a C to A substitution at nucleotide position 2128. The proline at codon 710 is replaced by threonine, an amino acid with highly similar properties. This amino acid position is conserved. In addition, the in silico prediction for this alteration is inconclusive. Based on the available evidence, the clinical significance of this variant remains unclear.

Labcorp Genetics (formerly Invitae), Labcorp
Classification: Uncertain significance for Oligodontia-cancer predisposition syndrome. Last evaluated: 2023-12-01. Review status: criteria provided, single submitter. Criteria: Invitae Variant Classification Sherloc (09022015). Collection method: clinical testing. Allele origin: germline.
Comment: This sequence change replaces proline, which is neutral and non-polar, with threonine, which is neutral and polar, at codon 710 of the AXIN2 protein (p.Pro710Thr). This variant is not present in population databases (gnomAD no frequency). This variant has not been reported in the literature in individuals affected with AXIN2-related conditions. Advanced modeling of protein sequence and biophysical properties (such as structural, functional, and spatial information, amino acid conservation, physicochemical variation, residue mobility, and thermodynamic stability) performed at Invitae indicates that this missense variant is not expected to disrupt AXIN2 protein function with a negative predictive value of 80%. In summary, the available evidence is currently insufficient to determine the role of this variant in disease. Therefore, it has been classified as a Variant of Uncertain Significance.

NM_004655.4(AXIN2):c.2128C>A (p.Pro710Thr)

Gene: AXIN2 (axin 2; minus strand). Cytogenetic location: 17q24.1.
Variant type: single nucleotide variant.
Coding change: c.2128C>A on transcript NM_004655.4 (MANE Select); coding-DNA position 2128, C replaced by A.
Protein change: p.Pro710Thr; replaces proline 710 with threonine.
Molecular consequence: missense variant.
Genome position (GRCh38, 1-based): chr17:65,536,333, G>T on the plus strand (C>A on the coding strand, the complement: AXIN2 is on the minus strand). VCF-style: chr17-65536333-G-T. GRCh37 (hg19) VCF-style: chr17-63532451-G-T.
Other names: c.1933C>A, p.Pro645Thr (NM_001363813.1); short protein forms P645T, P710T.
Identifiers: ClinVar variation 2796357 (VCV002796357.4), dbSNP rs1598096578, ClinGen allele CA400675931.